The following is an entry in ClinVar:

ClinVar aggregate classification (germline): Uncertain significance (1 of 4 stars; one submission).

Conditions:
Ritscher-Schinzel syndrome. Also called: CRANIOCEREBELLOCARDIAC DYSPLASIA. Identifiers: Orphanet 7, MedGen C0796137, MONDO:0019078.
Hereditary spastic paraplegia 8 (SPG8). Also called: SPASTIC PARAPLEGIA 8, AUTOSOMAL DOMINANT. Identifiers: Orphanet 100989, MedGen C1863704, MONDO:0011339, OMIM 603563.

Submission:

Labcorp Genetics (formerly Invitae), Labcorp
Classification: Uncertain significance for Ritscher-Schinzel syndrome; Hereditary spastic paraplegia 8. Last evaluated: 2025-03-24. Review status: criteria provided, single submitter. Criteria: Invitae Variant Classification Sherloc (09022015). Collection method: clinical testing. Allele origin: germline.
Comment: This sequence change replaces alanine, which is neutral and non-polar, with serine, which is neutral and polar, at codon 6 of the WASHC5 protein (p.Ala6Ser). This variant is not present in population databases (gnomAD no frequency). This variant has not been reported in the literature in individuals affected with WASHC5-related conditions. Invitae Evidence Modeling of protein sequence and biophysical properties (such as structural, functional, and spatial information, amino acid conservation, physicochemical variation, residue mobility, and thermodynamic stability) indicates that this missense variant is not expected to disrupt WASHC5 protein function with a negative predictive value of 80%. In summary, the available evidence is currently insufficient to determine the role of this variant in disease. Therefore, it has been classified as a Variant of Uncertain Significance.

NM_014846.4(WASHC5):c.16G>T (p.Ala6Ser)

Gene: WASHC5 (WASH complex subunit 5; minus strand). Cytogenetic location: 8q24.13.
Variant type: single nucleotide variant.
Coding change: c.16G>T on transcript NM_014846.4 (MANE Select); coding-DNA position 16, G replaced by T.
Protein change: p.Ala6Ser; replaces alanine 6 with serine.
Molecular consequence: missense variant. On other transcripts: intron variant (1).
Genome position (GRCh38, 1-based): chr8:125,083,883, C>A on the plus strand (G>T on the coding strand, the complement: WASHC5 is on the minus strand). VCF-style: chr8-125083883-C-A. GRCh37 (hg19) VCF-style: chr8-126096125-C-A.
Other names: c.-258-625G>T (NM_001330609.2); short protein forms A6S.
Identifiers: ClinVar variation 4788262 (VCV004788262.1).